The following is an entry in ClinVar:

ClinVar aggregate classification (germline): Uncertain significance (1 of 4 stars; one submission).

Allele frequency attached by ClinVar (database versions not stated): gnomAD exomes 0.00002; TOPMed 0.00002.

Submission:

Labcorp Genetics (formerly Invitae), Labcorp
Classification: Uncertain significance. Last evaluated: 2022-08-15. Review status: criteria provided, single submitter. Criteria: Invitae Variant Classification Sherloc (09022015). Collection method: clinical testing. Allele origin: germline.
Comment: This sequence change falls in intron 15 of the PLK4 gene. It does not directly change the encoded amino acid sequence of the PLK4 protein. It affects a nucleotide within the consensus splice site. This variant is present in population databases (no rsID available, gnomAD 0.002%). This variant has not been reported in the literature in individuals affected with PLK4-related conditions. Variants that disrupt the consensus splice site are a relatively common cause of aberrant splicing (PMID: 17576681, 9536098). Algorithms developed to predict the effect of sequence changes on RNA splicing suggest that this variant is not likely to affect RNA splicing. In summary, the available evidence is currently insufficient to determine the role of this variant in disease. Therefore, it has been classified as a Variant of Uncertain Significance.

Literature cited by the submitters: PubMed 17576681; PubMed 9536098.

NM_014264.5(PLK4):c.2811-3T>C

Gene: PLK4 (polo like kinase 4; plus strand). Cytogenetic location: 4q28.1.
Variant type: single nucleotide variant.
Coding change: c.2811-3T>C on transcript NM_014264.5 (MANE Select); 3 bases into the intron before coding-DNA position 2811, T replaced by C.
Molecular consequence: intron variant.
Genome position (GRCh38, 1-based): chr4:127,898,436, T>C. VCF-style: chr4-127898436-T-C. GRCh37 (hg19) VCF-style: chr4-128819591-T-C.
Other names: c.2715-3T>C (NM_001190799.2); c.2688-3T>C (NM_001190801.2).
Identifiers: ClinVar variation 2069244 (VCV002069244.1), dbSNP rs1379879504, ClinGen allele CA554733562.
Genomic context (GRCh38, chr4:127,898,436, plus strand): 5'-GACTCTCATGAGAACCAAGTAATTCAGTTACGATTTTGTCTTTTTTTCTTTTGCTTCACT[T>C]AGGTATGGAGAAAATGAAAAATTACCAGACTACATCAAACAGAAATTACAGTGTCTGTCT-3'